The following is an entry in ClinVar:

ClinVar aggregate classification (germline): Uncertain significance. Review status: criteria provided, multiple submitters, no conflicts (2 of 4 stars). 5 submissions from 5 submitters: Uncertain significance (5). Last evaluated 2025-09-21.

Conditions:
Early-infantile DEE. Also called: Early infantile epileptic encephalopathy; Ohtahara syndrome; Early infantile epileptic encephalopathy with suppression bursts. Identifiers: Orphanet 1934, MedGen C0393706, MONDO:0800491.
Migraine, familial hemiplegic, 3. Identifiers: Orphanet 569, MedGen C1864987, MONDO:0012320, OMIM 609634.
Severe myoclonic epilepsy in infancy (DRVT). Also called: DEVELOPMENTAL AND EPILEPTIC ENCEPHALOPATHY 6A; Dravet syndrome; Epileptic encephalopathy, early infantile, 6 (Dravet syndrome); SEVERE MYOCLONIC EPILEPSY OF INFANCY; Severe Myoclonic Epilepsy in Infancy (SMEI). Identifiers: Orphanet 33069, MedGen C0751122, MONDO:0100135, OMIM 607208.
Generalized epilepsy with febrile seizures plus, type 2 (GEFSP2). Also called: GEFS+, TYPE 2. Identifiers: Orphanet 36387, MedGen C1858673, MONDO:0011461, OMIM 604403.

Allele frequency attached by ClinVar (database versions not stated): gnomAD 0.00003; gnomAD exomes 0.00003 and 0.00004; TOPMed 0.00004; ExAC 0.00005.
gnomAD v4.1: 61 of 1,614,068 alleles (0.0038%); highest among the groups gnomAD compares: South Asian, 0.015%; no homozygotes.

Submissions (5):

Labcorp Genetics (formerly Invitae), Labcorp
Classification: Uncertain significance for Early-infantile DEE. Last evaluated: 2025-09-21. Review status: criteria provided, single submitter. Criteria: Invitae Variant Classification Sherloc (09022015). Collection method: clinical testing. Allele origin: germline.
Comment: This sequence change replaces glutamic acid, which is acidic and polar, with lysine, which is basic and polar, at codon 46 of the SCN1A protein (p.Glu46Lys). This variant is present in population databases (rs769582667, gnomAD 0.02%). This missense change has been observed in individual(s) with seizures (PMID: 37209046; internal data). ClinVar contains an entry for this variant (Variation ID: 448247). Invitae Evidence Modeling of protein sequence and biophysical properties (such as structural, functional, and spatial information, amino acid conservation, physicochemical variation, residue mobility, and thermodynamic stability) has been performed for this missense variant. However, the output from this modeling did not meet the statistical confidence thresholds required to predict the impact of this variant on SCN1A protein function. In summary, the available evidence is currently insufficient to determine the role of this variant in disease. Therefore, it has been classified as a Variant of Uncertain Significance.

CeGaT Center for Human Genetics Tuebingen
Classification: Uncertain significance. Last evaluated: 2019-08-01. Review status: criteria provided, single submitter. Criteria: CeGaT Center For Human Genetics Tuebingen Variant Classification Criteria Version 2. Collection method: clinical testing. Allele origin: germline. Affected: yes. Observed: 3 variant alleles.

Fulgent Genetics
Classification: Uncertain significance for Generalized epilepsy with febrile seizures plus, type 2; Severe myoclonic epilepsy in infancy; Migraine, familial hemiplegic, 3. Last evaluated: 2018-10-31. Review status: criteria provided, single submitter. Criteria: ACMG Guidelines, 2015. Collection method: clinical testing. Allele origin: unknown.

Athena Diagnostics
Classification: Uncertain significance. Last evaluated: 2016-10-13. Review status: criteria provided, single submitter. Criteria: Athena Diagnostics Criteria. Collection method: clinical testing. Allele origin: germline.

Lifecell International Pvt. Ltd
Classification: Uncertain significance for Generalized epilepsy with febrile seizures plus, type 2. Review status: criteria provided, single submitter. Criteria: ACMG Guidelines, 2015. Collection method: clinical testing. Allele origin: germline. Inheritance: Autosomal dominant inheritance. Affected: yes. Observed: 1 variant allele, 1 heterozygote.
Comment: A heterozygous missense variant (c.136G>A) in exon 4 of the SCN1A gene that results in the amino acid substitution from Glutamic acid to Lysine at codon 46 (p.Glu46Lys) was identified. The observed variant has a minor allele frequency of 0.0028% in gnomAD database and not reported in 1000 genome database. The reference base is conserved across the species and in-silico predictions by Polyphen and SIFT are damaging. The Missense Variants Z-Score for this variant is 5.28. Missense Variants Z-Score is produced by the Exome Aggregation Consortium (60,706 adult humans) by computing a signed Z score for the deviation of observed counts from the expected number. Positive Z scores indicate increased constraint (intolerance to variation) and therefore that the gene had fewer missense variants than expected. (DOI: 10.1038/nature19057). The MPC score for this variant is 0.98. MPC score is computed on an analysis of the ExAC population frequencies, the Missense Badness Score is the normalized fold difference of observed versus expected missense substitutions in sub-genic regions. This score is then combined with orthogonal deleteriousness metrics into one score called MPC (for Missense badness, PolyPhen-2, and Constraint) designed to classify whether a missense variant is deleterious. (DOI: 10.1101/148353). Based on the above evidence this variant has been classified as variant of uncertain significance according to the ACMG guidelines.

Literature cited by the submitters: PubMed 37209046 (cited by Labcorp Genetics (formerly Invitae), Labcorp).

NM_001165963.4(SCN1A):c.136G>A (p.Glu46Lys)

Gene: SCN1A (sodium voltage-gated channel alpha subunit 1; minus strand). Cytogenetic location: 2q24.3.
Variant type: single nucleotide variant.
Coding change: c.136G>A on transcript NM_001165963.4 (MANE Select); coding-DNA position 136, G replaced by A.
Protein change: p.Glu46Lys; replaces glutamic acid 46 with lysine.
Molecular consequence: missense variant. On other transcripts: 5 prime UTR variant (1), non-coding transcript variant (1).
Genome position (GRCh38, 1-based): chr2:166,073,486, C>T on the plus strand (G>A on the coding strand, the complement: SCN1A is on the minus strand). VCF-style: chr2-166073486-C-T. GRCh37 (hg19) VCF-style: chr2-166929996-C-T.
Other names: c.136G>A, p.Glu46Lys (NM_001165964.3, NM_001202435.3, NM_001353948.2 and 10 more transcripts); c.-2290G>A (NM_001353961.2); short protein forms E46K.
Identifiers: ClinVar variation 448247 (VCV000448247.54), dbSNP rs769582667, ClinGen allele CA1943562.